The following is an entry in ClinVar:

ClinVar aggregate classification (germline): Uncertain significance. Review status: criteria provided, multiple submitters, no conflicts (2 of 4 stars). 2 submissions from 2 submitters: Uncertain significance (2). Last evaluated 2025-02-04.

Conditions:
Hereditary cancer-predisposing syndrome. Also called: Hereditary Cancer Syndrome; Neoplastic Syndromes, Hereditary; Tumor predisposition; Hereditary neoplastic syndrome. Identifiers: Orphanet 140162, MedGen C0027672, MeSH D009386, MONDO:0015356.
Familial cancer of breast. Also called: Hereditary breast cancer; BREAST CANCER, FAMILIAL; hereditary breast carcinoma. Identifiers: Orphanet 227535, MedGen C0346153, MONDO:0016419, OMIM 114480. Disease mechanism: loss of function.

Submissions (2):

Labcorp Genetics (formerly Invitae), Labcorp
Classification: Uncertain significance for Familial cancer of breast. Last evaluated: 2025-02-04. Review status: criteria provided, single submitter. Criteria: Invitae Variant Classification Sherloc (09022015). Collection method: clinical testing. Allele origin: germline.
Comment: This sequence change replaces cysteine, which is neutral and slightly polar, with arginine, which is basic and polar, at codon 18 of the CHEK2 protein (p.Cys18Arg). This variant is not present in population databases (gnomAD no frequency). This variant has not been reported in the literature in individuals affected with CHEK2-related conditions. ClinVar contains an entry for this variant (Variation ID: 1022912). An algorithm developed to predict the effect of missense changes on protein structure and function (PolyPhen-2) suggests that this variant is likely to be tolerated. In summary, the available evidence is currently insufficient to determine the role of this variant in disease. Therefore, it has been classified as a Variant of Uncertain Significance.

Ambry Genetics
Classification: Uncertain significance for Hereditary cancer-predisposing syndrome. Last evaluated: 2020-01-23. Review status: criteria provided, single submitter. Criteria: Ambry Variant Classification Scheme 2023. Collection method: clinical testing. Allele origin: germline.
Comment: The p.C18R variant (also known as c.52T>C), located in coding exon 1 of the CHEK2 gene, results from a T to C substitution at nucleotide position 52. The cysteine at codon 18 is replaced by arginine, an amino acid with highly dissimilar properties. This amino acid position is poorly conserved in available vertebrate species. In addition, the in silico prediction for this alteration is inconclusive. Since supporting evidence is limited at this time, the clinical significance of this alteration remains unclear.

NM_007194.4(CHEK2):c.52T>C (p.Cys18Arg)

Gene: CHEK2 (checkpoint kinase 2; minus strand). Cytogenetic location: 22q12.1.
Variant type: single nucleotide variant.
Coding change: c.52T>C on transcript NM_007194.4 (MANE Select); coding-DNA position 52, T replaced by C.
Protein change: p.Cys18Arg; replaces cysteine 18 with arginine.
Molecular consequence: missense variant.
Genome position (GRCh38, 1-based): chr22:28,734,670, A>G on the plus strand (T>C on the coding strand, the complement: CHEK2 is on the minus strand). VCF-style: chr22-28734670-A-G. GRCh37 (hg19) VCF-style: chr22-29130658-A-G.
Other names: c.52T>C, p.Cys18Arg (NM_001005735.3, NM_001349956.3, NM_145862.3); c.-726T>C (NM_001257387.3); short protein forms C18R.
Identifiers: ClinVar variation 1022912 (VCV001022912.12), dbSNP rs2054336674, ClinGen allele CA411091869.